The following is an entry in ClinVar:

NM_004364.5(CEBPA):c.416T>G (p.Leu139Arg)

Gene: CEBPA (CCAAT enhancer binding protein alpha; minus strand). Cytogenetic location: 19q13.11.
Variant type: single nucleotide variant.
Coding change: c.416T>G on transcript NM_004364.5 (MANE Select); coding-DNA position 416, T replaced by G.
Protein change: p.Leu139Arg; replaces leucine 139 with arginine.
Molecular consequence: missense variant.
Genome position (GRCh38, 1-based): chr19:33,301,999, A>C on the plus strand (T>G on the coding strand, the complement: CEBPA is on the minus strand). VCF-style: chr19-33301999-A-C. GRCh37 (hg19) VCF-style: chr19-33792905-A-C.
Other names: c.59T>G, p.Leu20Arg (NM_001285829.2); c.521T>G, p.Leu174Arg (NM_001287424.2); c.374T>G, p.Leu125Arg (NM_001287435.2); c.416T>G (NM_004364.4); short protein forms L125R, L174R, L139R, L20R.
Identifiers: ClinVar variation 1499297 (VCV001499297.9), dbSNP rs2145262262, ClinGen allele CA405274999.
Genomic context (GRCh38, chr19:33,301,999, plus strand): 5'-ACCAGCGGCCGCAGCGCCGGCGCCCCGACGCGCTCGTACAGGGGCTCCAGCCTGCCGTCC[A>C]GGTAGCCGGCGGCCGCGCAGCCGTAGCCGGGCGGGGGCCCGTGCGCTCCCCCGGGCATGA-3'
Protein context (NP_004355.2, residues 129-149): PGYGCAAAGY[Leu139Arg]DGRLEPLYER

ClinVar aggregate classification (germline): Uncertain significance (1 of 4 stars; one submission).

Conditions:
Acute myeloid leukemia (AML). Also called: Leukemia, acute myeloid, somatic; Leukemia, acute myelogenous, somatic; Acute myeloid leukemia, adult; AML adult; Acute non-lymphocytic leukemia; Acute granulocytic leukemia. Identifiers: Orphanet 519, MedGen C0023467, MeSH D015470, MONDO:0018874, OMIM 601626, HP:0004808. Disease mechanism: Constitutively activated FLT3.

Submission:

Labcorp Genetics (formerly Invitae), Labcorp
Classification: Uncertain significance for Acute myeloid leukemia. Last evaluated: 2021-06-16. Review status: criteria provided, single submitter. Criteria: Invitae Variant Classification Sherloc (09022015). Collection method: clinical testing. Allele origin: germline.
Comment: This variant has not been reported in the literature in individuals with CEBPA-related conditions. The frequency data for this variant in the population databases is considered unreliable, as metrics indicate insufficient coverage at this position in the ExAC database. This sequence change replaces leucine with arginine at codon 139 of the CEBPA protein (p.Leu139Arg). The leucine residue is moderately conserved and there is a moderate physicochemical difference between leucine and arginine. In summary, the available evidence is currently insufficient to determine the role of this variant in disease. Therefore, it has been classified as a Variant of Uncertain Significance. Algorithms developed to predict the effect of missense changes on protein structure and function are either unavailable or do not agree on the potential impact of this missense change (SIFT: "Deleterious"; PolyPhen-2: "Benign"; Align-GVGD: "Class C0").